The following is an entry in ClinVar:

ClinVar aggregate classification (germline): Uncertain significance (1 of 4 stars; one submission).

Conditions:
Charcot-Marie-Tooth disease type 2. Also called: Charcot-Marie-Tooth type 2. Identifiers: Orphanet 64746, MedGen C0270914, MONDO:0018993.

Allele frequency attached by ClinVar (database versions not stated): gnomAD exomes 0.00001; gnomAD 0.00001.
gnomAD v4.1: 23 of 1,614,002 alleles (0.0014%); highest among the groups gnomAD compares: Non-Finnish European, 0.0019%; no homozygotes.

Submission:

Labcorp Genetics (formerly Invitae), Labcorp
Classification: Uncertain significance for Charcot-Marie-Tooth disease type 2. Last evaluated: 2025-05-01. Review status: criteria provided, single submitter. Criteria: Invitae Variant Classification Sherloc (09022015). Collection method: clinical testing. Allele origin: germline.
Comment: This sequence change replaces alanine, which is neutral and non-polar, with glycine, which is neutral and non-polar, at codon 435 of the MFN2 protein (p.Ala435Gly). This variant is present in population databases (no rsID available, gnomAD 0.002%). This variant has not been reported in the literature in individuals affected with MFN2-related conditions. ClinVar contains an entry for this variant (Variation ID: 1058439). Invitae Evidence Modeling of protein sequence and biophysical properties (such as structural, functional, and spatial information, amino acid conservation, physicochemical variation, residue mobility, and thermodynamic stability) has been performed for this missense variant. However, the output from this modeling did not meet the statistical confidence thresholds required to predict the impact of this variant on MFN2 protein function. In summary, the available evidence is currently insufficient to determine the role of this variant in disease. Therefore, it has been classified as a Variant of Uncertain Significance.

NM_014874.4(MFN2):c.1304C>G (p.Ala435Gly)

Gene: MFN2 (mitofusin 2; plus strand). Cytogenetic location: 1p36.22.
Variant type: single nucleotide variant.
Coding change: c.1304C>G on transcript NM_014874.4 (MANE Select); coding-DNA position 1304, C replaced by G.
Protein change: p.Ala435Gly; replaces alanine 435 with glycine.
Molecular consequence: missense variant.
Genome position (GRCh38, 1-based): chr1:12,004,525, C>G. VCF-style: chr1-12004525-C-G. GRCh37 (hg19) VCF-style: chr1-12064582-C-G.
Other names: c.1304C>G, p.Ala435Gly (NM_001127660.2); short protein forms A435G.
Identifiers: ClinVar variation 1058439 (VCV001058439.9), dbSNP rs1030984908, ClinGen allele CA18011317.